The following is an entry in ClinVar:

NM_001277115.2(DNAH11):c.13411_13418del (p.Glu4471fs)

Genes: CDCA7L (cell division cycle associated 7 like; minus strand), DNAH11 (dynein axonemal heavy chain 11; plus strand). Cytogenetic location: 7p15.3.
Variant type: Deletion.
Coding change: c.13411_13418del on transcript NM_001277115.2 (MANE Select); coding-DNA positions 13411 to 13418, 8 bases deleted (GAAACCAA; older notation c.13411_13418delGAAACCAA).
Protein change: p.Glu4471fs; shifts the reading frame from glutamic acid 4471.
Molecular consequence: frameshift variant. On other transcripts: 3 prime UTR variant (3).
Genome position (GRCh38, 1-based): chr7:21,901,114-21,901,121, GAAACCAA deleted; deleting any 8 consecutive bases within chr7:21,901,111-21,901,121 gives the same sequence; the c. name uses the placement nearest the transcript's 3' end. VCF-style (leftmost placement, unchanged base first): chr7-21901110-ACAAGAAAC-A. GRCh37 (hg19) VCF-style: chr7-21940728-ACAAGAAAC-A.
Other names: c.*1204_*1211del (NM_001127370.3, NM_001127371.3, NM_018719.5); short protein forms E4471fs.
Identifiers: ClinVar variation 3705389 (VCV003705389.2).

ClinVar aggregate classification (germline): Pathogenic (1 of 4 stars; one submission).

Conditions:
Primary ciliary dyskinesia. Also called: Ciliary dyskinesia. Identifiers: Orphanet 244, MedGen C0008780, MONDO:0016575, HP:0012265.

Submission:

Labcorp Genetics (formerly Invitae), Labcorp
Classification: Pathogenic for Primary ciliary dyskinesia. Last evaluated: 2024-02-17. Review status: criteria provided, single submitter. Criteria: Invitae Variant Classification Sherloc (09022015). Collection method: clinical testing. Allele origin: germline.
Comment: This sequence change creates a premature translational stop signal (p.Glu4471Thrfs*9) in the DNAH11 gene. While this is not anticipated to result in nonsense mediated decay, it is expected to disrupt the last 46 amino acid(s) of the DNAH11 protein. This variant is not present in population databases (gnomAD no frequency). This variant has not been reported in the literature in individuals affected with DNAH11-related conditions. This variant disrupts a region of the DNAH11 protein in which other variant(s) (p.Trp4505Serfs*10) have been determined to be pathogenic (Invitae). This suggests that this is a clinically significant region of the protein, and that variants that disrupt it are likely to be disease-causing. For these reasons, this variant has been classified as Pathogenic.